The following is an entry in ClinVar:

NM_001365536.1(SCN9A):c.4270C>A (p.Gln1424Lys)

Genes: SCN9A (sodium voltage-gated channel alpha subunit 9; minus strand), SCN1A-AS1 (SCN1A and SCN9A antisense RNA 1; plus strand). Cytogenetic location: 2q24.3.
Variant type: single nucleotide variant.
Coding change: c.4270C>A on transcript NM_001365536.1 (MANE Select); coding-DNA position 4270, C replaced by A.
Protein change: p.Gln1424Lys; replaces glutamine 1424 with lysine.
Molecular consequence: missense variant.
Genome position (GRCh38, 1-based): chr2:166,226,695, G>T on the plus strand (C>A on the coding strand, the complement: SCN9A is on the minus strand). VCF-style: chr2-166226695-G-T. GRCh37 (hg19) VCF-style: chr2-167083205-G-T.
Other names: c.4237C>A, p.Gln1413Lys (NM_002977.4); short protein forms Q1413K, Q1424K.
Identifiers: ClinVar variation 2951870 (VCV002951870.3), dbSNP rs2468969097, ClinGen allele CA349062114.

ClinVar aggregate classification (germline): Uncertain significance (1 of 4 stars; one submission).

Conditions:
Neuropathy, hereditary sensory and autonomic, type 2A (HSAN2A). Also called: ACROOSTEOLYSIS, GIACCAI TYPE; ACROOSTEOLYSIS, NEUROGENIC; MORVAN DISEASE; NEUROPATHY, CONGENITAL SENSORY; NEUROPATHY, HEREDITARY SENSORY RADICULAR, AUTOSOMAL RECESSIVE; NEUROPATHY, HEREDITARY SENSORY, TYPE IIA. Identifiers: Orphanet 970, MedGen C2752089, MONDO:0024309, OMIM 201300.
Generalized epilepsy with febrile seizures plus, type 7 (GEFSP7). Also called: GEFS+, TYPE 7. Identifiers: Orphanet 36387, MedGen C2751778, MONDO:0013470, OMIM 613863.

Submission:

Labcorp Genetics (formerly Invitae), Labcorp
Classification: Uncertain significance for Neuropathy, hereditary sensory and autonomic, type 2A; Generalized epilepsy with febrile seizures plus, type 7. Last evaluated: 2023-09-12. Review status: criteria provided, single submitter. Criteria: Invitae Variant Classification Sherloc (09022015). Collection method: clinical testing. Allele origin: germline.
Comment: Advanced modeling of protein sequence and biophysical properties (such as structural, functional, and spatial information, amino acid conservation, physicochemical variation, residue mobility, and thermodynamic stability) has been performed at Invitae for this missense variant, however the output from this modeling did not meet the statistical confidence thresholds required to predict the impact of this variant on SCN9A protein function. In summary, the available evidence is currently insufficient to determine the role of this variant in disease. Therefore, it has been classified as a Variant of Uncertain Significance. This variant has not been reported in the literature in individuals affected with SCN9A-related conditions. This variant is not present in population databases (gnomAD no frequency). This sequence change replaces glutamine, which is neutral and polar, with lysine, which is basic and polar, at codon 1413 of the SCN9A protein (p.Gln1413Lys).